The following is an entry in ClinVar:

NM_001130438.3(SPTAN1):c.5158A>G (p.Lys1720Glu)

Gene: SPTAN1 (spectrin alpha, non-erythrocytic 1; plus strand). Cytogenetic location: 9q34.11.
Variant type: single nucleotide variant.
Coding change: c.5158A>G on transcript NM_001130438.3 (MANE Select); coding-DNA position 5158, A replaced by G.
Protein change: p.Lys1720Glu; replaces lysine 1720 with glutamic acid.
Molecular consequence: missense variant.
Genome position (GRCh38, 1-based): chr9:128,615,641, A>G. VCF-style: chr9-128615641-A-G. GRCh37 (hg19) VCF-style: chr9-131377920-A-G.
Other names: c.5083A>G, p.Lys1695Glu (NM_001195532.2); c.5158A>G, p.Lys1720Glu (NM_001363759.2, NM_001375310.1, NM_001375311.2 and 1 more transcripts); c.5098A>G, p.Lys1700Glu (NM_001363765.2, NM_001375314.2); c.5194A>G, p.Lys1732Glu (NM_001375312.2, NM_001375318.1); c.5143A>G, p.Lys1715Glu (NM_003127.4); short protein forms K1695E, K1700E, K1715E, K1732E, K1720E.
Identifiers: ClinVar variation 1370087 (VCV001370087.7), dbSNP rs2131743765, ClinGen allele CA375073995.
Genomic context (GRCh38, chr9:128,615,641, plus strand): 5'-AGATAGCTGTGGGAGACCCAGTTTCTGACCCTCTTATGTCCCCTGCCCCAGGATCGCCTG[A>G]AGGACCTGAACAGCCAGGCAGACAGCCTGATGACCAGCAGTGCCTTCGACACCTCCCAAG-3'
Protein context (NP_001123910.1, residues 1710-1730): ADISAHEDRL[Lys1720Glu]DLNSQADSLM

ClinVar aggregate classification (germline): Uncertain significance (1 of 4 stars; one submission).

Conditions:
Early-infantile DEE. Also called: Early infantile epileptic encephalopathy with suppression bursts; Early infantile epileptic encephalopathy; Ohtahara syndrome. Identifiers: Orphanet 1934, MedGen C0393706, MONDO:0800491.

Submission:

Labcorp Genetics (formerly Invitae), Labcorp
Classification: Uncertain significance for Early-infantile DEE. Last evaluated: 2021-09-15. Review status: criteria provided, single submitter. Criteria: Invitae Variant Classification Sherloc (09022015). Collection method: clinical testing. Allele origin: germline.
Comment: This sequence change replaces lysine with glutamic acid at codon 1720 of the SPTAN1 protein (p.Lys1720Glu). The lysine residue is highly conserved and there is a small physicochemical difference between lysine and glutamic acid. This variant is not present in population databases (ExAC no frequency). This variant has not been reported in the literature in individuals affected with SPTAN1-related conditions. Algorithms developed to predict the effect of missense changes on protein structure and function (SIFT, PolyPhen-2, Align-GVGD) all suggest that this variant is likely to be tolerated. In summary, the available evidence is currently insufficient to determine the role of this variant in disease. Therefore, it has been classified as a Variant of Uncertain Significance.